The following is an entry in ClinVar:

NM_007074.4(CORO1A):c.103T>C (p.Trp35Arg)

Gene: CORO1A (coronin 1A; plus strand). Cytogenetic location: 16p11.2.
Variant type: single nucleotide variant.
Coding change: c.103T>C on transcript NM_007074.4 (MANE Select); coding-DNA position 103, T replaced by C.
Protein change: p.Trp35Arg; replaces tryptophan 35 with arginine.
Molecular consequence: missense variant.
Genome position (GRCh38, 1-based): chr16:30,185,312, T>C. VCF-style: chr16-30185312-T-C. GRCh37 (hg19) VCF-style: chr16-30196633-T-C.
Other names: c.103T>C, p.Trp35Arg (NM_001193333.3); short protein forms W35R.
Identifiers: ClinVar variation 2128209 (VCV002128209.4), dbSNP rs2543751768, ClinGen allele CA395489965.

ClinVar aggregate classification (germline): Uncertain significance (1 of 4 stars; one submission).

Conditions:
Severe combined immunodeficiency due to CORO1A deficiency. Also called: Immunodeficiency 8; IMMUNODEFICIENCY 8 WITH LYMPHOPROLIFERATION. Identifiers: Orphanet 228003, MedGen C3809383, MONDO:0014168, OMIM 615401.

Submission:

Labcorp Genetics (formerly Invitae), Labcorp
Classification: Uncertain significance for Severe combined immunodeficiency due to CORO1A deficiency. Last evaluated: 2022-04-20. Review status: criteria provided, single submitter. Criteria: Invitae Variant Classification Sherloc (09022015). Collection method: clinical testing. Allele origin: germline.
Comment: This variant has not been reported in the literature in individuals affected with CORO1A-related conditions. Algorithms developed to predict the effect of missense changes on protein structure and function are either unavailable or do not agree on the potential impact of this missense change (SIFT: "Deleterious"; PolyPhen-2: "Possibly Damaging"; Align-GVGD: "Class C0"). This sequence change replaces tryptophan, which is neutral and slightly polar, with arginine, which is basic and polar, at codon 35 of the CORO1A protein (p.Trp35Arg). This variant is not present in population databases (gnomAD no frequency). In summary, the available evidence is currently insufficient to determine the role of this variant in disease. Therefore, it has been classified as a Variant of Uncertain Significance.